The following is an entry in ClinVar:

NM_030665.4(RAI1):c.202G>A (p.Gly68Ser)

Gene: RAI1 (retinoic acid induced 1; plus strand). Cytogenetic location: 17p11.2.
Variant type: single nucleotide variant.
Coding change: c.202G>A on transcript NM_030665.4 (MANE Select); coding-DNA position 202, G replaced by A.
Protein change: p.Gly68Ser; replaces glycine 68 with serine.
Molecular consequence: missense variant.
Genome position (GRCh38, 1-based): chr17:17,793,150, G>A. VCF-style: chr17-17793150-G-A. GRCh37 (hg19) VCF-style: chr17-17696464-G-A.
Other names: short protein forms G68S.
Identifiers: ClinVar variation 4997011 (VCV004997011.1).

ClinVar aggregate classification (germline): Uncertain significance (1 of 4 stars; one submission).

Conditions:
RAI1-related disorder. Also called: RAI1-related condition.

Submission:

PreventionGenetics, part of Exact Sciences
Classification: Uncertain significance for RAI1-related condition. Last evaluated: 2025-07-23. Review status: criteria provided, single submitter. Criteria: ACMG Guidelines, 2015. Collection method: clinical testing. Allele origin: germline.
Comment: The RAI1 c.202G>A variant is predicted to result in the amino acid substitution p.Gly68Ser. To our knowledge, this variant has not been reported in the literature or in a large population database (gnomAD), indicating this variant is rare. At this time, the clinical significance of this variant is uncertain due to the absence of conclusive functional and genetic evidence.